The following is an entry in ClinVar:

ClinVar aggregate classification (germline): Pathogenic/Likely pathogenic. Review status: criteria provided, multiple submitters, no conflicts (2 of 4 stars). 3 submissions from 3 submitters: Pathogenic (1); Likely pathogenic (1). 1 of the submissions does not count toward it. Last evaluated 2023-01-03.

Conditions:
Charcot-Marie-Tooth disease, type I (CMT1). Also called: Charcot-Marie-Tooth disease type 1; Charcot-Marie-Tooth, Type 1. Identifiers: Orphanet 65753, MedGen C0751036, MONDO:0019011.
Charcot-Marie-Tooth disease. Also called: Charcot-Marie-Tooth Hereditary Neuropathy; Charcot-Marie-Tooth Neuropathy. Identifiers: Orphanet 166, MedGen C0007959, MONDO:0015626.
Inborn genetic diseases. Identifiers: MedGen C0950123, MeSH D030342.

Submissions (3):

Ambry Genetics
Classification: Likely pathogenic for Inborn genetic diseases. Last evaluated: 2023-01-03. Review status: criteria provided, single submitter. Criteria: Ambry Variant Classification Scheme 2023. Collection method: clinical testing. Allele origin: germline.
Comment: The c.320G>T (p.G107V) alteration is located in exon 5 (coding exon 4) of the PMP22 gene. This alteration results from a G to T substitution at nucleotide position 320, causing the glycine (G) at amino acid position 107 to be replaced by a valine (V). This variant was not reported in population-based cohorts in the Genome Aggregation Database (gnomAD). This variant has been identified in multiple individuals with features consistent with or clinical diagnoses of Charcot-Marie-Tooth (CMT) disease (Hanemann, 2000; Lorefice, 2017; Liu, 2020, Invitae pers. comm.; Ambry internal data) and was shown to segregate with disease in one multigenerational family with several affected individuals (Marrosu, 1997). In HeLa cells, this variant co-localized with calnexin in reticular endoplasmic reticulum-like structures as well as in intracellular aggregates compared to wild type which localized to the plasma membrane (Shames, 2003). Another study observed a similar pattern of endoplasmic reticulum localization for this variant (Li, 2017). The in silico prediction for this alteration is inconclusive. Based on the available evidence, this alteration is classified as likely pathogenic.

Labcorp Genetics (formerly Invitae), Labcorp
Classification: Pathogenic for Charcot-Marie-Tooth disease, type I. Last evaluated: 2022-11-17. Review status: criteria provided, single submitter. Criteria: Invitae Variant Classification Sherloc (09022015). Collection method: clinical testing. Allele origin: germline.
Comment: ClinVar contains an entry for this variant (Variation ID: 637376). For these reasons, this variant has been classified as Pathogenic. Experimental studies have shown that this missense change affects PMP22 function (PMID: 26102530, 28748849). Algorithms developed to predict the effect of missense changes on protein structure and function are either unavailable or do not agree on the potential impact of this missense change (SIFT: "Deleterious"; PolyPhen-2: "Probably Damaging"; Align-GVGD: "Class C0"). This missense change has been observed in individuals with Charcot-Marie-Tooth disease (PMID: 9040744, 28286897; Invitae). It has also been observed to segregate with disease in related individuals. This variant is not present in population databases (gnomAD no frequency). This sequence change replaces glycine, which is neutral and non-polar, with valine, which is neutral and non-polar, at codon 107 of the PMP22 protein (p.Gly107Val).

Inherited Neuropathy Consortium
Classification: Uncertain significance for Charcot-Marie-Tooth disease. Review status: no assertion criteria provided. Collection method: literature only. Allele origin: germline. Affected: yes. Not counted in ClinVar's aggregate classification.

Literature cited by the submitters: PubMed 9040744 (cited by 3 submitters); PubMed 10775544 (cited by Ambry Genetics); PubMed 12901701 (cited by Ambry Genetics); PubMed 28286897 (cited by Ambry Genetics and Labcorp Genetics (formerly Invitae), Labcorp); PubMed 28748849 (cited by Ambry Genetics and Labcorp Genetics (formerly Invitae), Labcorp); PubMed 32719652 (cited by Ambry Genetics); PubMed 26102530 (cited by Labcorp Genetics (formerly Invitae), Labcorp).

NM_000304.4(PMP22):c.320G>T (p.Gly107Val)

Gene: PMP22 (peripheral myelin protein 22; minus strand). Cytogenetic location: 17p12.
Variant type: single nucleotide variant.
Coding change: c.320G>T on transcript NM_000304.4 (MANE Select); coding-DNA position 320, G replaced by T.
Protein change: p.Gly107Val; replaces glycine 107 with valine.
Molecular consequence: missense variant. On other transcripts: non-coding transcript variant (2).
Genome position (GRCh38, 1-based): chr17:15,231,080, C>A on the plus strand (G>T on the coding strand, the complement: PMP22 is on the minus strand). VCF-style: chr17-15231080-C-A. GRCh37 (hg19) VCF-style: chr17-15134397-C-A.
Other names: c.320G>T (NM_000304.2); c.320G>T, p.Gly107Val (NM_001281455.2, NM_001281456.2, NM_153321.3 and 1 more transcripts); short protein forms G107V.
Identifiers: ClinVar variation 637376 (VCV000637376.7), dbSNP rs1597597900, ClinGen allele CA398739843.